The following is an entry in ClinVar:

NM_024577.4(SH3TC2):c.*19270G>A

Gene: SH3TC2 (SH3 domain and tetratricopeptide repeats 2; minus strand). Cytogenetic location: 5q32.
Variant type: single nucleotide variant.
Coding change: c.*19270G>A on transcript NM_024577.4 (MANE Select); 19270 bases downstream of the stop codon, G replaced by A.
Molecular consequence: 3 prime UTR variant.
Genome position (GRCh38, 1-based): chr5:148,985,441, C>T on the plus strand (G>A on the coding strand, the complement: SH3TC2 is on the minus strand). VCF-style: chr5-148985441-C-T. GRCh37 (hg19) VCF-style: chr5-148365004-C-T.
Identifiers: ClinVar variation 351602 (VCV000351602.6), dbSNP rs149188140, ClinGen allele CA10623288.

ClinVar aggregate classification (germline): Benign/Likely benign. Review status: criteria provided, multiple submitters, no conflicts (2 of 4 stars). 3 submissions from 2 submitters: Benign (2); Likely benign (1). Last evaluated 2021-10-02.

Conditions:
Susceptibility to mononeuropathy of the median nerve, mild. Also called: CARPAL TUNNEL SYNDROME, SUSCEPTIBILITY TO. Identifiers: MedGen C3150596, MONDO:0013237, OMIM 613353.
Charcot-Marie-Tooth disease type 4C (CMT4C). Also called: CHARCOT-MARIE-TOOTH DISEASE, DEMYELINATING, AUTOSOMAL RECESSIVE, TYPE 4C; CMT 4C; Charcot-Marie-Tooth Neuropathy Type 4C (CMT4C); CHARCOT-MARIE-TOOTH DISEASE, DEMYELINATING, TYPE 4C; SH3TC2-Related Hereditary Motor and Sensory Neuropathy. Identifiers: Orphanet 99949, MedGen C1866636, MONDO:0011113, OMIM 601596.

Allele frequency attached by ClinVar (database versions not stated): gnomAD 0.00488 and 0.00516; TOPMed 0.00592; 1000 Genomes Project 30x 0.00640; 1000 Genomes Project 0.00699.
gnomAD v4.1: 735 of 152,254 alleles (0.48%); highest among the groups gnomAD compares: African/African-American, 1.6%; 6 homozygotes.

Submissions (3):

GeneDx
Classification: Likely benign. Last evaluated: 2021-10-02. Review status: criteria provided, single submitter. Criteria: GeneDx Variant Classification Process June 2021. Collection method: clinical testing. Allele origin: germline. Affected: yes.

Illumina Laboratory Services, Illumina
Classification: Benign for Charcot-Marie-Tooth disease type 4C. Last evaluated: 2018-01-12. Review status: criteria provided, single submitter. Criteria: ICSL Variant Classification Criteria 13 December 2019. Collection method: clinical testing. Allele origin: germline.
Comment: This variant was observed in the ICSL laboratory as part of a predisposition screen in an ostensibly healthy population. It had not been previously curated by ICSL or reported in the Human Gene Mutation Database (HGMD: prior to June 1st, 2018), and was therefore a candidate for classification through an automated scoring system. Utilizing variant allele frequency, disease prevalence and penetrance estimates, and inheritance mode, an automated score was calculated to assess if this variant is too frequent to cause the disease. Based on the score and internal cut-off values, a variant classified as benign is not then subjected to further curation. The score for this variant resulted in a classification of benign for this disease.

Illumina Laboratory Services, Illumina
Classification: Benign for Susceptibility to mononeuropathy of the median nerve, mild. Last evaluated: 2018-01-12. Review status: criteria provided, single submitter. Criteria: ICSL Variant Classification Criteria 13 December 2019. Collection method: clinical testing. Allele origin: germline.
Comment: the same text as in the submission from Illumina Laboratory Services, Illumina above.